The following is an entry in ClinVar:

NM_004104.5(FASN):c.2393C>T (p.Ala798Val)

Gene: FASN (fatty acid synthase; minus strand). Cytogenetic location: 17q25.3.
Variant type: single nucleotide variant.
Coding change: c.2393C>T on transcript NM_004104.5 (MANE Select); coding-DNA position 2393, C replaced by T.
Protein change: p.Ala798Val; replaces alanine 798 with valine.
Molecular consequence: missense variant.
Genome position (GRCh38, 1-based): chr17:82,088,788, G>A on the plus strand (C>T on the coding strand, the complement: FASN is on the minus strand). VCF-style: chr17-82088788-G-A. GRCh37 (hg19) VCF-style: chr17-80046664-G-A.
Other names: short protein forms A798V.
Identifiers: ClinVar variation 2912160 (VCV002912160.3), dbSNP rs975189831, ClinGen allele CA295134397.

ClinVar aggregate classification (germline): Uncertain significance (1 of 4 stars; one submission).

Conditions:
Epileptic encephalopathy. Identifiers: MedGen C0543888, HP:0200134.

Allele frequency attached by ClinVar (database versions not stated): gnomAD exomes 0.00001; TOPMed 0.00002; gnomAD 0.00001.
gnomAD v4.1: 5 of 1,612,268 alleles (0.00031%); highest among the groups gnomAD compares: Admixed American, 0.0017%; no homozygotes.

Submission:

Labcorp Genetics (formerly Invitae), Labcorp
Classification: Uncertain significance for Epileptic encephalopathy. Last evaluated: 2025-06-09. Review status: criteria provided, single submitter. Criteria: Invitae Variant Classification Sherloc (09022015). Collection method: clinical testing. Allele origin: germline.
Comment: This sequence change replaces alanine, which is neutral and non-polar, with valine, which is neutral and non-polar, at codon 798 of the FASN protein (p.Ala798Val). This variant is not present in population databases (gnomAD no frequency). This variant has not been reported in the literature in individuals affected with FASN-related conditions. ClinVar contains an entry for this variant (Variation ID: 2912160). An algorithm developed to predict the effect of missense changes on protein structure and function (PolyPhen-2) suggests that this variant is likely to be tolerated. In summary, the available evidence is currently insufficient to determine the role of this variant in disease. Therefore, it has been classified as a Variant of Uncertain Significance.